The following is an entry in ClinVar:

NM_018706.7(DHTKD1):c.841G>A (p.Val281Met)

Gene: DHTKD1 (dehydrogenase E1 and transketolase domain containing 1; plus strand). Cytogenetic location: 10p14.
Variant type: single nucleotide variant.
Coding change: c.841G>A on transcript NM_018706.7 (MANE Select); coding-DNA position 841, G replaced by A.
Protein change: p.Val281Met; replaces valine 281 with methionine.
Molecular consequence: missense variant.
Genome position (GRCh38, 1-based): chr10:12,089,109, G>A. VCF-style: chr10-12089109-G-A. GRCh37 (hg19) VCF-style: chr10-12131108-G-A.
Other names: c.841G>A (NM_018706.5); short protein forms V281M.
Identifiers: ClinVar variation 3005596 (VCV003005596.4), dbSNP rs1832948740, ClinGen allele CA376018619.

ClinVar aggregate classification (germline): Uncertain significance. Review status: criteria provided, multiple submitters, no conflicts (2 of 4 stars). 2 submissions from 2 submitters: Uncertain significance (2). Last evaluated 2024-10-15.

Conditions:
Inborn genetic diseases. Identifiers: MedGen C0950123, MeSH D030342.
2-aminoadipic 2-oxoadipic aciduria (AAKAD). Also called: Aminoadipic aciduria; ALPHA-AMINOADIPIC AND ALPHA-KETOADIPIC ACIDURIA. Identifiers: Orphanet 79154, MedGen C1859817, MONDO:0008774, OMIM 204750.

Allele frequency attached by ClinVar (database versions not stated): gnomAD 0.00001; gnomAD exomes 0.00001; TOPMed below 0.00001.
gnomAD v4.1: 11 of 1,614,028 alleles (0.00068%); highest among the groups gnomAD compares: African/African-American, 0.0027%; no homozygotes.

Submissions (2):

Labcorp Genetics (formerly Invitae), Labcorp
Classification: Uncertain significance for 2-aminoadipic 2-oxoadipic aciduria. Last evaluated: 2024-10-15. Review status: criteria provided, single submitter. Criteria: Invitae Variant Classification Sherloc (09022015). Collection method: clinical testing. Allele origin: germline.
Comment: This sequence change replaces valine, which is neutral and non-polar, with methionine, which is neutral and non-polar, at codon 281 of the DHTKD1 protein (p.Val281Met). This variant is not present in population databases (gnomAD no frequency). This variant has not been reported in the literature in individuals affected with DHTKD1-related conditions. Invitae Evidence Modeling of protein sequence and biophysical properties (such as structural, functional, and spatial information, amino acid conservation, physicochemical variation, residue mobility, and thermodynamic stability) indicates that this missense variant is not expected to disrupt DHTKD1 protein function with a negative predictive value of 80%. In summary, the available evidence is currently insufficient to determine the role of this variant in disease. Therefore, it has been classified as a Variant of Uncertain Significance.

Ambry Genetics
Classification: Uncertain significance for Inborn genetic diseases. Last evaluated: 2024-04-06. Review status: criteria provided, single submitter. Criteria: Ambry Variant Classification Scheme 2023. Collection method: clinical testing. Allele origin: germline.